The following is an entry in ClinVar:

NM_022765.4(MICAL1):c.2146T>G (p.Phe716Val)

Gene: MICAL1 (microtubule associated monooxygenase, calponin and LIM domain containing 1; minus strand). Cytogenetic location: 6q21.
Variant type: single nucleotide variant.
Coding change: c.2146T>G on transcript NM_022765.4 (MANE Select); coding-DNA position 2146, T replaced by G.
Protein change: p.Phe716Val; replaces phenylalanine 716 with valine.
Molecular consequence: missense variant.
Genome position (GRCh38, 1-based): chr6:109,447,154, A>C on the plus strand (T>G on the coding strand, the complement: MICAL1 is on the minus strand). VCF-style: chr6-109447154-A-C. GRCh37 (hg19) VCF-style: chr6-109768357-A-C.
Other names: c.1888T>G, p.Phe630Val (NM_001159291.2); c.2203T>G, p.Phe735Val (NM_001286613.2); short protein forms F735V, F630V, F716V.
Identifiers: ClinVar variation 1919507 (VCV001919507.5), dbSNP rs2482779790, ClinGen allele CA365225639.

ClinVar aggregate classification (germline): Uncertain significance (1 of 4 stars; one submission).

Submission:

Labcorp Genetics (formerly Invitae), Labcorp
Classification: Uncertain significance. Last evaluated: 2022-04-28. Review status: criteria provided, single submitter. Criteria: Invitae Variant Classification Sherloc (09022015). Collection method: clinical testing. Allele origin: germline.
Comment: In summary, the available evidence is currently insufficient to determine the role of this variant in disease. Therefore, it has been classified as a Variant of Uncertain Significance. Algorithms developed to predict the effect of missense changes on protein structure and function are either unavailable or do not agree on the potential impact of this missense change (SIFT: "Deleterious"; PolyPhen-2: "Probably Damaging"; Align-GVGD: "Class C0"). This variant has not been reported in the literature in individuals affected with MICAL1-related conditions. This variant is not present in population databases (gnomAD no frequency). This sequence change replaces phenylalanine, which is neutral and non-polar, with valine, which is neutral and non-polar, at codon 735 of the MICAL1 protein (p.Phe735Val).